The following is an entry in ClinVar:

ClinVar aggregate classification (germline): Likely benign (1 of 4 stars; one submission).

gnomAD v4.1: 20 of 1,613,586 alleles (0.0012%); highest among the groups gnomAD compares: African/African-American, 0.0013%; no homozygotes.

Submission:

CeGaT Center for Human Genetics Tuebingen
Classification: Likely benign. Last evaluated: 2025-01-01. Review status: criteria provided, single submitter. Criteria: CeGaT Center For Human Genetics Tuebingen Variant Classification Criteria Version 2. Collection method: clinical testing. Allele origin: germline. Affected: yes. Observed: 1 variant allele.
Comment: GRIA4: BP4, BP7

NM_000829.4(GRIA4):c.2643T>C (p.Ala881=)

Gene: GRIA4 (glutamate ionotropic receptor AMPA type subunit 4; plus strand). Cytogenetic location: 11q22.3.
Variant type: single nucleotide variant.
Coding change: c.2643T>C on transcript NM_000829.4 (MANE Select); coding-DNA position 2643, T replaced by C.
Protein change: p.Ala881=; no amino-acid change (alanine 881 retained).
Molecular consequence: synonymous variant. On other transcripts: 3 prime UTR variant (1), non-coding transcript variant (1).
Genome position (GRCh38, 1-based): chr11:105,979,673, T>C. VCF-style: chr11-105979673-T-C. GRCh37 (hg19) VCF-style: chr11-105850400-T-C.
Other names: c.*101T>C (NM_001077243.3).
Identifiers: ClinVar variation 3771652 (VCV003771652.13).